The following is an entry in ClinVar:

ClinVar aggregate classification (germline): Uncertain significance (1 of 4 stars; one submission).

gnomAD v4.1: 1 of 1,612,446 alleles (0.000062%); highest among the groups gnomAD compares: Non-Finnish European, 0.000085%; no homozygotes.

Submission:

Labcorp Genetics (formerly Invitae), Labcorp
Classification: Uncertain significance. Last evaluated: 2022-03-04. Review status: criteria provided, single submitter. Criteria: Invitae Variant Classification Sherloc (09022015). Collection method: clinical testing. Allele origin: germline.
Comment: This variant is not present in population databases (gnomAD no frequency). In summary, the available evidence is currently insufficient to determine the role of this variant in disease. Therefore, it has been classified as a Variant of Uncertain Significance. Algorithms developed to predict the effect of missense changes on protein structure and function (SIFT, PolyPhen-2, Align-GVGD) all suggest that this variant is likely to be tolerated. This variant has not been reported in the literature in individuals affected with SARS2-related conditions. This sequence change replaces alanine, which is neutral and non-polar, with proline, which is neutral and non-polar, at codon 516 of the SARS2 protein (p.Ala516Pro).

NM_017827.4(SARS2):c.1546G>C (p.Ala516Pro)

Gene: SARS2 (seryl-tRNA synthetase 2, mitochondrial; minus strand). Cytogenetic location: 19q13.2.
Variant type: single nucleotide variant.
Coding change: c.1546G>C on transcript NM_017827.4 (MANE Select); coding-DNA position 1546, G replaced by C.
Protein change: p.Ala516Pro; replaces alanine 516 with proline.
Molecular consequence: missense variant.
Genome position (GRCh38, 1-based): chr19:38,915,617, C>G on the plus strand (G>C on the coding strand, the complement: SARS2 is on the minus strand). VCF-style: chr19-38915617-C-G. GRCh37 (hg19) VCF-style: chr19-39406257-C-G.
Other names: c.1552G>C, p.Ala518Pro (NM_001145901.2); short protein forms A516P, A518P.
Identifiers: ClinVar variation 2100476 (VCV002100476.4), dbSNP rs780741245, ClinGen allele CA405735181.